The following is an entry in ClinVar:

ClinVar aggregate classification (germline): Uncertain significance (1 of 4 stars; one submission).

Conditions:
Joubert syndrome. Also called: CEREBELLOPARENCHYMAL DISORDER IV; JOUBERT-BOLTSHAUSER SYNDROME; Familial aplasia of the vermis. Identifiers: Orphanet 475, MedGen C5979921, MONDO:0018772.
Meckel-Gruber syndrome. Also called: DYSENCEPHALIA SPLANCHNOCYSTICA; GRUBER SYNDROME; Dysencephalia splachnocystica. Identifiers: Orphanet 564, MedGen C0265215, MONDO:0018921.

Allele frequency attached by ClinVar (database versions not stated): gnomAD exomes below 0.00001.
gnomAD v4.1: 2 of 1,614,098 alleles (0.00012%); highest among the groups gnomAD compares: Non-Finnish European, 0.00017%; no homozygotes.

Submission:

Labcorp Genetics (formerly Invitae), Labcorp
Classification: Uncertain significance for Joubert syndrome; Meckel-Gruber syndrome. Last evaluated: 2021-08-11. Review status: criteria provided, single submitter. Criteria: Invitae Variant Classification Sherloc (09022015). Collection method: clinical testing. Allele origin: germline.
Comment: In summary, the available evidence is currently insufficient to determine the role of this variant in disease. Therefore, it has been classified as a Variant of Uncertain Significance. Algorithms developed to predict the effect of sequence changes on RNA splicing suggest that this variant may create or strengthen a splice site. Advanced modeling of protein sequence and biophysical properties (such as structural, functional, and spatial information, amino acid conservation, physicochemical variation, residue mobility, and thermodynamic stability) performed at Invitae indicates that this missense variant is expected to disrupt TMEM67 protein function. This variant has not been reported in the literature in individuals affected with TMEM67-related conditions. This variant is not present in population databases (ExAC no frequency). This sequence change replaces aspartic acid with glycine at codon 56 of the TMEM67 protein (p.Asp56Gly). The aspartic acid residue is moderately conserved and there is a moderate physicochemical difference between aspartic acid and glycine.

NM_153704.6(TMEM67):c.167A>G (p.Asp56Gly)

Gene: TMEM67 (transmembrane protein 67; plus strand). Cytogenetic location: 8q22.1.
Variant type: single nucleotide variant.
Coding change: c.167A>G on transcript NM_153704.6 (MANE Select); coding-DNA position 167, A replaced by G.
Protein change: p.Asp56Gly; replaces aspartic acid 56 with glycine.
Molecular consequence: missense variant. On other transcripts: 5 prime UTR variant (1), non-coding transcript variant (1).
Genome position (GRCh38, 1-based): chr8:93,755,081, A>G. VCF-style: chr8-93755081-A-G. GRCh37 (hg19) VCF-style: chr8-94767309-A-G.
Other names: c.-118A>G (NM_001142301.1); short protein forms D56G.
Identifiers: ClinVar variation 1374112 (VCV001374112.6), dbSNP rs1812506710, ClinGen allele CA371685386.